The following is an entry in ClinVar:

ClinVar aggregate classification (germline): Uncertain significance (1 of 4 stars; one submission).

Submission:

Labcorp Genetics (formerly Invitae), Labcorp
Classification: Uncertain significance. Last evaluated: 2022-04-01. Review status: criteria provided, single submitter. Criteria: Invitae Variant Classification Sherloc (09022015). Collection method: clinical testing. Allele origin: germline.
Comment: This variant has not been reported in the literature in individuals affected with COL11A1-related conditions. This sequence change replaces histidine, which is basic and polar, with glutamine, which is neutral and polar, at codon 122 of the COL11A1 protein (p.His122Gln). This variant is not present in population databases (gnomAD no frequency). Advanced modeling of protein sequence and biophysical properties (such as structural, functional, and spatial information, amino acid conservation, physicochemical variation, residue mobility, and thermodynamic stability) performed at Invitae indicates that this missense variant is not expected to disrupt COL11A1 protein function. In summary, the available evidence is currently insufficient to determine the role of this variant in disease. Therefore, it has been classified as a Variant of Uncertain Significance.

NM_001854.4(COL11A1):c.366T>G (p.His122Gln)

Gene: COL11A1 (collagen type XI alpha 1 chain; minus strand). Cytogenetic location: 1p21.1.
Variant type: single nucleotide variant.
Coding change: c.366T>G on transcript NM_001854.4 (MANE Select); coding-DNA position 366, T replaced by G.
Protein change: p.His122Gln; replaces histidine 122 with glutamine.
Molecular consequence: missense variant. On other transcripts: non-coding transcript variant (1).
Genome position (GRCh38, 1-based): chr1:103,078,780, A>C on the plus strand (T>G on the coding strand, the complement: COL11A1 is on the minus strand). VCF-style: chr1-103078780-A-C. GRCh37 (hg19) VCF-style: chr1-103544336-A-C.
Other names: c.366T>G, p.His122Gln (NM_001168249.1, NM_001190709.2, NM_080629.3 and 1 more transcripts); short protein forms H122Q.
Identifiers: ClinVar variation 2120135 (VCV002120135.4), dbSNP rs2526189139, ClinGen allele CA341167891.